The following is an entry in ClinVar:

ClinVar aggregate classification (germline): Likely pathogenic. Review status: criteria provided, multiple submitters, no conflicts (2 of 4 stars). 2 submissions from 2 submitters: Likely pathogenic (2). Last evaluated 2025-07-30.

Submissions (2):

GeneDx
Classification: Likely pathogenic. Last evaluated: 2025-07-30. Review status: criteria provided, single submitter. Criteria: GeneDx Variant Classification Process June 2021. Collection method: clinical testing. Allele origin: germline.
Comment: Published functional studies demonstrate a loss of function in current density for homomeric channels, a dominant negative affect on heteromeric channels, and altered PIP2 binding which is required for stabilization of the open channel (PMID: 36088682, 38428481); Not observed at significant frequency in large population cohorts (gnomAD); In silico analysis supports that this missense variant has a deleterious effect on protein structure/function; This variant is associated with the following publications: (PMID: 38428481, 36088682)

CeGaT Center for Human Genetics Tuebingen
Classification: Likely pathogenic. Last evaluated: 2024-03-01. Review status: criteria provided, single submitter. Criteria: CeGaT Center For Human Genetics Tuebingen Variant Classification Criteria Version 2. Collection method: clinical testing. Allele origin: germline. Affected: yes. Observed: 3 variant alleles.
Comment: KCNQ5: PM2, PP1, PP2, PP3, PS3:Supporting

NM_019842.4(KCNQ5):c.1075C>T (p.Arg359Cys)

Gene: KCNQ5 (potassium voltage-gated channel subfamily Q member 5; plus strand). Cytogenetic location: 6q13.
Variant type: single nucleotide variant.
Coding change: c.1075C>T on transcript NM_019842.4 (MANE Select); coding-DNA position 1075, C replaced by T.
Protein change: p.Arg359Cys; replaces arginine 359 with cysteine.
Molecular consequence: missense variant.
Genome position (GRCh38, 1-based): chr6:73,111,353, C>T. VCF-style: chr6-73111353-C-T. GRCh37 (hg19) VCF-style: chr6-73821076-C-T.
Other names: c.1075C>T (NM_001160133.1); c.1075C>T, p.Arg359Cys (NM_001160130.2, NM_001160132.2, NM_001160133.2 and 1 more transcripts); short protein forms R359C.
Identifiers: ClinVar variation 3067511 (VCV003067511.22), dbSNP rs2533688698, ClinGen allele CA364826896.